The following is an entry in ClinVar:

ClinVar aggregate classification (germline): Pathogenic (1 of 4 stars; one submission).

Conditions:
Spermatogenic failure 18. Identifiers: MedGen C4539783, MONDO:0054615, OMIM 617576.
Ciliary dyskinesia, primary, 37 (CILD37). Also called: CILIARY DYSKINESIA, PRIMARY, 37, WITH OR WITHOUT SITUS INVERSUS. Identifiers: MedGen C4539798, MONDO:0033204, OMIM 617577.

Submission:

Labcorp Genetics (formerly Invitae), Labcorp
Classification: Pathogenic for Ciliary dyskinesia, primary, 37; Spermatogenic failure 18. Last evaluated: 2025-04-16. Review status: criteria provided, single submitter. Criteria: Invitae Variant Classification Sherloc (09022015). Collection method: clinical testing. Allele origin: germline.
Comment: This sequence change creates a premature translational stop signal (p.Lys4011Serfs*11) in the DNAH1 gene. It is expected to result in an absent or disrupted protein product. Loss-of-function variants in DNAH1 are known to be pathogenic (PMID: 27573432, 27798045). This variant is not present in population databases (gnomAD no frequency). This variant has not been reported in the literature in individuals affected with DNAH1-related conditions. ClinVar contains an entry for this variant (Variation ID: 2105670). For these reasons, this variant has been classified as Pathogenic.

Literature cited by the submitters: PubMed 27573432; PubMed 27798045.

NM_015512.5(DNAH1):c.12029_12030insGT (p.Lys4011fs)

Gene: DNAH1 (dynein axonemal heavy chain 1; plus strand). Cytogenetic location: 3p21.1.
Variant type: Insertion.
Coding change: c.12029_12030insGT on transcript NM_015512.5 (MANE Select); coding-DNA positions 12029 to 12030, GT inserted.
Protein change: p.Lys4011fs; shifts the reading frame from lysine 4011.
Molecular consequence: frameshift variant.
Genome position: GRCh38 VCF-style: chr3-52398102-C-CGT. GRCh37 (hg19) VCF-style: chr3-52432118-C-CGT.
Other names: short protein forms K4011fs.
Identifiers: ClinVar variation 2105670 (VCV002105670.4), dbSNP rs2471302472, ClinGen allele CA2580070189.